The following is an entry in ClinVar:

NM_000038.6(APC):c.893A>G (p.His298Arg)

Gene: APC (APC regulator of Wnt signaling pathway; plus strand). Cytogenetic location: 5q22.2.
Variant type: single nucleotide variant.
Coding change: c.893A>G on transcript NM_000038.6 (MANE Select); coding-DNA position 893, A replaced by G.
Protein change: p.His298Arg; replaces histidine 298 with arginine.
Molecular consequence: missense variant.
Genome position (GRCh38, 1-based): chr5:112,815,553, A>G. VCF-style: chr5-112815553-A-G. GRCh37 (hg19) VCF-style: chr5-112151250-A-G.
Other names: c.893A>G, p.His298Arg (NM_001127510.3, NM_001354895.2, NM_001354896.2 and 1 more transcripts); c.839A>G, p.His280Arg (NM_001127511.3); c.923A>G, p.His308Arg (NM_001354897.2, NM_001354902.2); c.818A>G, p.His273Arg (NM_001354898.2, NM_001354904.2); c.809A>G, p.His270Arg (NM_001354899.2); c.716A>G, p.His239Arg (NM_001354900.2, NM_001354901.2, NM_001354905.2); c.44A>G, p.His15Arg (NM_001354906.2); short protein forms H280R, H298R, H239R, H15R, H270R, H273R, H308R.
Identifiers: ClinVar variation 537512 (VCV000537512.13), dbSNP rs1554079195, ClinGen allele CA16023271.

ClinVar aggregate classification (germline): Uncertain significance. Review status: criteria provided, multiple submitters, no conflicts (2 of 4 stars). 2 submissions from 2 submitters: Uncertain significance (2). Last evaluated 2026-06-24.

Conditions:
Hereditary cancer-predisposing syndrome. Also called: Hereditary Cancer Syndrome; Tumor predisposition; Hereditary neoplastic syndrome; Neoplastic Syndromes, Hereditary. Identifiers: Orphanet 140162, MedGen C0027672, MeSH D009386, MONDO:0015356.
Familial adenomatous polyposis 1 (FAP1). Also called: FAMILIAL ADENOMATOUS POLYPOSIS 1, ATTENUATED; POLYPOSIS, ADENOMATOUS INTESTINAL. Identifiers: MedGen C2713442, MONDO:0021056, OMIM 175100. Disease mechanism: loss of function.

gnomAD v4.1: 1 of 1,612,396 alleles (0.000062%); highest among the groups gnomAD compares: Admixed American, 0.0017%; no homozygotes.

Submissions (2):

Ambry Genetics
Classification: Uncertain significance for Hereditary cancer-predisposing syndrome. Last evaluated: 2026-06-24. Review status: criteria provided, single submitter. Criteria: Ambry Variant Classification Scheme 2023. Collection method: clinical testing. Allele origin: germline.
Comment: The p.H298R variant (also known as c.893A>G), located in coding exon 8 of the APC gene, results from an A to G substitution at nucleotide position 893. The histidine at codon 298 is replaced by arginine, an amino acid with highly similar properties. This amino acid position is not well conserved in available vertebrate species. In addition, in silico predictors for this gene do not accurately predict pathogenicity. Missense variants in APC are not a common cause of disease (Spier I et al. Genet Med. 2024 Feb;26(2):100992). Based on the available evidence, the clinical significance of this variant remains unclear.

Labcorp Genetics (formerly Invitae), Labcorp
Classification: Uncertain significance for Familial adenomatous polyposis 1. Last evaluated: 2025-10-12. Review status: criteria provided, single submitter. Criteria: Invitae Variant Classification Sherloc (09022015). Collection method: clinical testing. Allele origin: germline.
Comment: This sequence change replaces histidine, which is basic and polar, with arginine, which is basic and polar, at codon 298 of the APC protein (p.His298Arg). This variant is not present in population databases (gnomAD no frequency). This variant has not been reported in the literature in individuals affected with APC-related conditions. ClinVar contains an entry for this variant (Variation ID: 537512). Invitae Evidence Modeling of protein sequence and biophysical properties (such as structural, functional, and spatial information, amino acid conservation, physicochemical variation, residue mobility, and thermodynamic stability) indicates that this missense variant is not expected to disrupt APC protein function with a negative predictive value of 95%. In summary, the available evidence is currently insufficient to determine the role of this variant in disease. Therefore, it has been classified as a Variant of Uncertain Significance.